The following is an entry in ClinVar:

NM_001371623.1(TCOF1):c.2243G>T (p.Gly748Val)

Gene: TCOF1 (treacle ribosome biogenesis factor 1; plus strand). Cytogenetic location: 5q32.
Variant type: single nucleotide variant.
Coding change: c.2243G>T on transcript NM_001371623.1 (MANE Select); coding-DNA position 2243, G replaced by T.
Protein change: p.Gly748Val; replaces glycine 748 with valine.
Molecular consequence: missense variant.
Genome position (GRCh38, 1-based): chr5:150,376,523, G>T. VCF-style: chr5-150376523-G-T. GRCh37 (hg19) VCF-style: chr5-149756086-G-T.
Other names: c.2012G>T, p.Gly671Val (NM_000356.4, NM_001135245.2, NM_001437406.1); c.2243G>T, p.Gly748Val (NM_001008657.3, NM_001135243.2, NM_001135244.2 and 1 more transcripts); short protein forms G748V, G671V.
Identifiers: ClinVar variation 4753673 (VCV004753673.1).
Genomic context (GRCh38, chr5:150,376,523, plus strand): 5'-CAGTGCCTGTCAAGGGGTCCTTGGGGCAAGGGACTGCTCCAGTACTCCCTGGGAAGACGG[G>T]GCCTACAGTCACCCAGGTGAAAGCTGAAAAGCAGGAAGACTCTGAGAGCAGTGAGGAGGA-3'
Protein context (NP_001358552.1, residues 738-758): GTAPVLPGKT[Gly748Val]PTVTQVKAEK

ClinVar aggregate classification (germline): Uncertain significance (1 of 4 stars; one submission).

Conditions:
Treacher Collins syndrome 1 (TCS1). Also called: TCOF1-Related Treacher Collins Syndrome. Identifiers: Orphanet 861, MedGen CN315775, MONDO:0007944, OMIM 154500.

Submission:

Labcorp Genetics (formerly Invitae), Labcorp
Classification: Uncertain significance for Treacher Collins syndrome 1. Last evaluated: 2025-09-05. Review status: criteria provided, single submitter. Criteria: Invitae Variant Classification Sherloc (09022015). Collection method: clinical testing. Allele origin: germline.
Comment: This sequence change replaces glycine, which is neutral and non-polar, with valine, which is neutral and non-polar, at codon 748 of the TCOF1 protein (p.Gly748Val). This variant is not present in population databases (gnomAD no frequency). This variant has not been reported in the literature in individuals affected with TCOF1-related conditions. Invitae Evidence Modeling of protein sequence and biophysical properties (such as structural, functional, and spatial information, amino acid conservation, physicochemical variation, residue mobility, and thermodynamic stability) has been performed for this missense variant. However, the output from this modeling did not meet the statistical confidence thresholds required to predict the impact of this variant on TCOF1 protein function. In summary, the available evidence is currently insufficient to determine the role of this variant in disease. Therefore, it has been classified as a Variant of Uncertain Significance.